The following is an entry in ClinVar:

NM_007294.4(BRCA1):c.3708T>G (p.Asn1236Lys)

Genes: BRCA1 (BRCA1 DNA repair associated; minus strand), LOC126862571 (BRD4-independent group 4 enhancer GRCh37_chr17:41243136-41244335; plus strand). Cytogenetic location: 17q21.31.
Variant type: single nucleotide variant.
Coding change: c.3708T>G on transcript NM_007294.4 (MANE Select); coding-DNA position 3708, T replaced by G.
Protein change: p.Asn1236Lys; replaces asparagine 1236 with lysine.
Molecular consequence: missense variant. On other transcripts: intron variant (135).
Genome position (GRCh38, 1-based): chr17:43,091,823, A>C on the plus strand (T>G on the coding strand, the complement: BRCA1 is on the minus strand). VCF-style: chr17-43091823-A-C. GRCh37 (hg19) VCF-style: chr17-41243840-A-C.
Other names: p.N1236K:AAT>AAG; 3827T>G; c.3585T>G, p.Asn1195Lys (NM_001407938.1, NM_001407939.1, NM_001407648.1 and 19 more transcripts); c.3582T>G, p.Asn1194Lys (NM_001407940.1, NM_001407941.1, NM_001407649.1 and 11 more transcripts); c.3567T>G, p.Asn1189Lys (NM_001407942.1, NM_001407944.1, NM_001407945.1 and 29 more transcripts); c.3564T>G, p.Asn1188Lys (NM_001407943.1, NM_001407964.1, NM_001407740.1 and 20 more transcripts); c.3375T>G, p.Asn1125Lys (NM_001407946.1, NM_001407947.1, NM_001407948.1 and 6 more transcripts); c.3372T>G, p.Asn1124Lys (NM_001407954.1, NM_001407955.1, NM_001407956.1 and 1 more transcripts); and 43 more; short protein forms N1236K, N1189K, N1108K, N1109K, N1125K, N1148K, N1165K, N1209K.
Identifiers: ClinVar variation 54970 (VCV000054970.104), dbSNP rs28897687, ClinGen allele CA002376.

ClinVar aggregate classification (germline): Benign. Review status: reviewed by expert panel (3 of 4 stars). 38 submissions from 38 submitters: Benign (1). 37 of the submissions do not count toward it. Last evaluated 2019-06-18.

Conditions:
Fanconi anemia, complementation group S (FANCS). Identifiers: MedGen C4554406, MONDO:0054748, OMIM 617883.
Pancreatic cancer, susceptibility to, 4. Identifiers: Orphanet 1333, MedGen C3280442, MONDO:0013685, OMIM 614320.
Breast-ovarian cancer, familial, susceptibility to, 1 (BROVCA1). Also called: BRCA1 Hereditary Breast and Ovarian Cancer; OVARIAN CANCER, SUSCEPTIBILITY TO. Identifiers: Orphanet 145, MedGen C2676676, MONDO:0011450, OMIM 604370. Disease mechanism: loss of function.
Familial cancer of breast. Also called: BREAST CANCER, FAMILIAL; hereditary breast carcinoma; Hereditary breast cancer. Identifiers: Orphanet 227535, MedGen C0346153, MONDO:0016419, OMIM 114480. Disease mechanism: loss of function.
Breast and/or ovarian cancer. Identifiers: MedGen CN221562.
Hereditary cancer-predisposing syndrome. Also called: Hereditary Cancer Syndrome; Tumor predisposition; Neoplastic Syndromes, Hereditary; Hereditary neoplastic syndrome. Identifiers: Orphanet 140162, MedGen C0027672, MeSH D009386, MONDO:0015356.
Hereditary breast ovarian cancer syndrome. Also called: Breast and ovarian cancer; BRCA1- and BRCA2-Associated Hereditary Breast and Ovarian Cancer; Hereditary breast and ovarian cancer; Hereditary breast and ovarian cancer syndrome (HBOC); Hereditary breast and ovarian cancer syndrome; Hereditary breast and/or ovarian cancer syndrome. Identifiers: Orphanet 145, MedGen C0677776, MeSH D061325, MONDO:0003582. Disease mechanism: loss of function.
Malignant tumor of breast. Also called: Malignant breast neoplasm; Cancer breast. Identifiers: MedGen C0006142, MONDO:0007254. Disease mechanism: loss of function.

Allele frequency attached by ClinVar (database versions not stated): ExAC 0.00024; gnomAD exomes 0.00026; gnomAD 0.00031; TOPMed 0.00039; 1000 Genomes Project 0.00040; 1000 Genomes Project 30x 0.00047; ESP Exome Variant Server 0.00023.
gnomAD v4.1: 641 of 1,614,166 alleles (0.04%); highest among the groups gnomAD compares: Admixed American, 0.053%; no homozygotes.

Submissions 1 to 18 of 38:

Evidence-based Network for the Interpretation of Germline Mutant Alleles (ENIGMA)
Classification: Benign for Breast-ovarian cancer, familial, susceptibility to, 1. Last evaluated: 2019-06-18. Review status: reviewed by expert panel. Criteria: ENIGMA BRCA1/2 Classification Criteria (2017-06-29). Collection method: curation. Allele origin: germline.
Comment: IARC class based on posterior probability from multifactorial likelihood analysis, thresholds for class as per Plon et al. 2008 (PMID: 18951446). Class 1 based on posterior probability = 6.81E-11

Labcorp Genetics (formerly Invitae), Labcorp
Classification: Benign for Hereditary breast ovarian cancer syndrome. Last evaluated: 2026-02-03. Review status: criteria provided, single submitter. Criteria: Invitae Variant Classification Sherloc (09022015). Collection method: clinical testing. Allele origin: germline. Not counted in ClinVar's aggregate classification.

Dasa
Classification: Benign for Breast-ovarian cancer, familial, susceptibility to, 1. Last evaluated: 2026-01-26. Review status: criteria provided, single submitter. Criteria: DASA Assertion Criteria. Collection method: clinical testing. Allele origin: germline. Not counted in ClinVar's aggregate classification.
Comment: NM_007294.4(BRCA1):c.3708T>G (p.Asn1236Lys) is interpreted as benign based on a combination of available evidence, which may include population frequency, observations in unaffected individuals, intact protein function, lack of segregation with disease, in silico models, amino acid conservation, lack of disease association in case-control studies, and/or inconsistency with the known disease mechanism or impacted region. Based on the available data, this variant is classified as benign.

Institute for Biomarker Research, Medical Diagnostic Laboratories, L.L.C.
Classification: Benign for Hereditary breast ovarian cancer syndrome. Last evaluated: 2025-03-14. Review status: criteria provided, single submitter. Criteria: ACMG Guidelines, 2015. Collection method: clinical testing. Allele origin: germline. Not counted in ClinVar's aggregate classification.
Comment: The missense variant NM_007294.4(BRCA1):c.3708T>G (p.Asn1236Lys) has been reported to ClinVar as Benign with a status of (3 stars) reviewed by expert panel (Variation ID 54970 as of 2025-03-07). There is a moderate physicochemical difference between asparagine and lysine.For these reasons, this variant has been classified as Benign

Center for Genomic Medicine, Rigshospitalet, Copenhagen University Hospital
Classification: Benign. Last evaluated: 2025-03-04. Review status: criteria provided, single submitter. Criteria: ACMG Guidelines, 2015. Collection method: clinical testing. Allele origin: germline. Not counted in ClinVar's aggregate classification.

Blueprint Genetics
Classification: Likely benign. Last evaluated: 2024-11-04. Review status: criteria provided, single submitter. Criteria: ACMG Guidelines, 2015. Collection method: clinical testing. Allele origin: germline. Not counted in ClinVar's aggregate classification.

CeGaT Center for Human Genetics Tuebingen
Classification: Benign. Last evaluated: 2024-11-01. Review status: criteria provided, single submitter. Criteria: CeGaT Center For Human Genetics Tuebingen Variant Classification Criteria Version 2. Collection method: clinical testing. Allele origin: germline. Affected: yes. Observed: 3 variant alleles. Not counted in ClinVar's aggregate classification.
Comment: BRCA1: BP1, BP4, BS1, BS2

ARUP Laboratories, Molecular Genetics and Genomics, ARUP Laboratories
Classification: Benign. Last evaluated: 2023-10-09. Review status: criteria provided, single submitter. Criteria: ARUP Molecular Germline Variant Investigation Process 2024. Collection method: clinical testing. Allele origin: germline. Not counted in ClinVar's aggregate classification.

CHEO Genetics Diagnostic Laboratory, Children's Hospital of Eastern Ontario
Classification: Likely benign for Breast and/or ovarian cancer. Last evaluated: 2023-04-26. Review status: criteria provided, single submitter. Criteria: ACMG Guidelines, 2015. Collection method: clinical testing. Allele origin: germline. Not counted in ClinVar's aggregate classification.

Mayo Clinic Laboratories, Mayo Clinic
Classification: Benign. Last evaluated: 2023-01-27. Review status: criteria provided, single submitter. Criteria: ACMG Guidelines, 2015. Collection method: clinical testing. Allele origin: germline. Observed: 4 variant alleles. Not counted in ClinVar's aggregate classification.
Comment: BS3, BP2, BP6

Fulgent Genetics
Classification: Likely benign for Familial cancer of breast; Breast-ovarian cancer, familial, susceptibility to, 1; Pancreatic cancer, susceptibility to, 4; Fanconi anemia, complementation group S. Last evaluated: 2021-11-22. Review status: criteria provided, single submitter. Criteria: ACMG Guidelines, 2015. Collection method: clinical testing. Allele origin: unknown. Not counted in ClinVar's aggregate classification.

Genetics Program, Instituto Nacional de Cancer
Classification: Likely benign for Hereditary breast ovarian cancer syndrome. Last evaluated: 2021-11-01. Review status: criteria provided, single submitter. Criteria: ACMG Guidelines, 2015. Collection method: research. Allele origin: germline. Affected: yes. Not counted in ClinVar's aggregate classification.

Sema4
Classification: Likely benign for Hereditary cancer-predisposing syndrome. Last evaluated: 2021-07-15. Review status: criteria provided, single submitter. Criteria: Sema4 Curation Guidelines. Collection method: curation. Allele origin: germline. Not counted in ClinVar's aggregate classification.

GeneDx
Classification: Likely benign. Last evaluated: 2021-03-26. Review status: criteria provided, single submitter. Criteria: GeneDx Variant Classification Process June 2021. Collection method: clinical testing. Allele origin: germline. Affected: yes. Not counted in ClinVar's aggregate classification.
Comment: This variant is associated with the following publications: (PMID: 10528853, 21965345, 22516946, 18375895, 26332594, 27495310, 23867111, 25637381, 21520273, 21702907, 24055113, 24728327, 16685647, 26727311, 11979449, 11149413, 20104584, 27616075, 33087888)

Mendelics
Classification: Likely benign for Breast-ovarian cancer, familial, susceptibility to, 1. Last evaluated: 2019-05-28. Review status: criteria provided, single submitter. Criteria: Mendelics Assertion Criteria 2017. Collection method: clinical testing. Allele origin: unknown. Not counted in ClinVar's aggregate classification.

Institute for Genomic Medicine (IGM) Clinical Laboratory, Nationwide Children's Hospital
Classification: Likely benign. Last evaluated: 2017-10-24. Review status: criteria provided, single submitter. Criteria: ACMG Guidelines, 2015. Collection method: clinical testing. Allele origin: germline. Not counted in ClinVar's aggregate classification.
Comment: BP1, BP4, BP6; This alteration is a missense alteration in a gene for which primarily truncating variants are known to cause disease, is predicted to be tolerated by multiple functional prediction tools, and was reported as a benign/likely benign alteration by a reputable source (ClinVar or other correspondence from a clinical testing laboratory).

Genome Diagnostics Laboratory, University Medical Center Utrecht
Classification: Likely benign for Breast-ovarian cancer, familial, susceptibility to, 1. Last evaluated: 2017-07-28. Review status: criteria provided, single submitter. Criteria: ACGS Guidelines, 2013. Collection method: clinical testing. Allele origin: germline. Affected: yes. Study: VKGL Data-share Consensus. Not counted in ClinVar's aggregate classification.

PreventionGenetics, part of Exact Sciences
Classification: Likely benign. Last evaluated: 2017-07-06. Review status: criteria provided, single submitter. Criteria: ACMG Guidelines, 2015. Collection method: clinical testing. Allele origin: germline. Not counted in ClinVar's aggregate classification.